The following is an entry in ClinVar:

NM_003036.4(SKI):c.103C>G (p.Pro35Ala)

Gene: SKI (SKI proto-oncogene; plus strand). Cytogenetic location: 1p36.33.
Variant type: single nucleotide variant.
Coding change: c.103C>G on transcript NM_003036.4 (MANE Select); coding-DNA position 103, C replaced by G.
Protein change: p.Pro35Ala; replaces proline 35 with alanine.
Molecular consequence: missense variant.
Genome position (GRCh38, 1-based): chr1:2,228,869, C>G. VCF-style: chr1-2228869-C-G. GRCh37 (hg19) VCF-style: chr1-2160308-C-G.
Other names: short protein forms P35A.
Identifiers: ClinVar variation 1709127 (VCV001709127.2), dbSNP rs397514590, ClinGen allele CA337952091.

ClinVar aggregate classification (germline): Likely pathogenic (1 of 4 stars; one submission).

Conditions:
Shprintzen-Goldberg syndrome (SGS). Also called: CRANIOSYNOSTOSIS WITH ARACHNODACTYLY AND ABDOMINAL HERNIAS; SHPRINTZEN-GOLDBERG CRANIOSYNOSTOSIS SYNDROME; Marfanoid disorder with craniosynostosis type 1; Marfanoid craniosynostosis syndrome; Shprintzen-Goldberg marfanoid syndrome. Identifiers: Orphanet 2462, MedGen C1321551, MONDO:0008426, OMIM 182212.

Submission:

MGZ Medical Genetics Center
Classification: Likely pathogenic for Shprintzen-Goldberg syndrome. Last evaluated: 2022-04-08. Review status: criteria provided, single submitter. Criteria: ACMG Guidelines, 2015. Collection method: clinical testing. Allele origin: germline. Affected: yes. Observed: 2 variant alleles.
Comment: ACMG criteria applied: PM1, PM5, PM2_SUP, PP3